The following is an entry in ClinVar:

ClinVar aggregate classification (germline): Uncertain significance (1 of 4 stars; one submission).

Submission:

GeneDx
Classification: Uncertain significance. Last evaluated: 2025-02-25. Review status: criteria provided, single submitter. Criteria: GeneDx Variant Classification Process June 2021. Collection method: clinical testing. Allele origin: germline. Affected: yes.
Comment: Not observed at significant frequency in large population cohorts (gnomAD); In silico analysis indicates that this missense variant does not alter protein structure/function; Has not been previously published as pathogenic or benign to our knowledge

NM_001020658.2(PUM1):c.605G>A (p.Ser202Asn)

Gene: PUM1 (pumilio RNA binding family member 1; minus strand). Cytogenetic location: 1p35.2.
Variant type: single nucleotide variant.
Coding change: c.605G>A on transcript NM_001020658.2 (MANE Select); coding-DNA position 605, G replaced by A.
Protein change: p.Ser202Asn; replaces serine 202 with asparagine.
Molecular consequence: missense variant.
Genome position (GRCh38, 1-based): chr1:31,005,968, C>T on the plus strand (G>A on the coding strand, the complement: PUM1 is on the minus strand). VCF-style: chr1-31005968-C-T. GRCh37 (hg19) VCF-style: chr1-31478815-C-T.
Other names: c.605G>A, p.Ser202Asn (NM_014676.3); short protein forms S202N.
Identifiers: ClinVar variation 4076917 (VCV004076917.1).